The following is an entry in ClinVar:

NM_002476.2(MYL4):c.248G>A (p.Arg83Gln)

Gene: MYL4 (myosin light chain 4; plus strand). Cytogenetic location: 17q21.32.
Variant type: single nucleotide variant.
Coding change: c.248G>A on transcript NM_002476.2 (MANE Select); coding-DNA position 248, G replaced by A.
Protein change: p.Arg83Gln; replaces arginine 83 with glutamine.
Molecular consequence: missense variant.
Genome position (GRCh38, 1-based): chr17:47,219,988, G>A. VCF-style: chr17-47219988-G-A. GRCh37 (hg19) VCF-style: chr17-45297354-G-A.
Other names: c.248G>A, p.Arg83Gln (NM_001002841.2); short protein forms R83Q.
Identifiers: ClinVar variation 1468573 (VCV001468573.8), dbSNP rs760514647, ClinGen allele CA8622694.

ClinVar aggregate classification (germline): Uncertain significance (1 of 4 stars; one submission).

Conditions:
Atrial fibrillation, familial, 18 (ATFB18). Identifiers: MedGen C4310636, MONDO:0015001, OMIM 617280.

Allele frequency attached by ClinVar (database versions not stated): gnomAD exomes below 0.00001; TOPMed below 0.00001; ExAC 0.00001.
gnomAD v4.1: 7 of 1,614,188 alleles (0.00043%); highest among the groups gnomAD compares: Admixed American, 0.0017%; no homozygotes.

Submission:

Labcorp Genetics (formerly Invitae), Labcorp
Classification: Uncertain significance for Atrial fibrillation, familial, 18. Last evaluated: 2024-02-09. Review status: criteria provided, single submitter. Criteria: Invitae Variant Classification Sherloc (09022015). Collection method: clinical testing. Allele origin: germline.
Comment: This sequence change replaces arginine, which is basic and polar, with glutamine, which is neutral and polar, at codon 83 of the MYL4 protein (p.Arg83Gln). This variant is present in population databases (rs760514647, gnomAD 0.0009%). This variant has not been reported in the literature in individuals affected with MYL4-related conditions. ClinVar contains an entry for this variant (Variation ID: 1468573). An algorithm developed to predict the effect of missense changes on protein structure and function (PolyPhen-2) suggests that this variant is likely to be disruptive. In summary, the available evidence is currently insufficient to determine the role of this variant in disease. Therefore, it has been classified as a Variant of Uncertain Significance.